The following is an entry in ClinVar:

NM_194248.3(OTOF):c.4959del (p.Asn1653fs)

Gene: OTOF (otoferlin; minus strand). Cytogenetic location: 2p23.3.
Variant type: Deletion.
Coding change: c.4959del on transcript NM_194248.3 (MANE Select); coding-DNA position 4959, one base deleted (C; older notation c.4959delC).
Protein change: p.Asn1653fs; shifts the reading frame from asparagine 1653.
Molecular consequence: frameshift variant.
Genome position (GRCh38, 1-based): chr2:26,464,870, G deleted on the plus strand (C on the coding strand, the reverse complement: OTOF is on the minus strand). VCF-style (leftmost placement, unchanged base first): chr2-26464869-CG-C. GRCh37 (hg19) VCF-style: chr2-26687737-CG-C.
Other names: c.4959del, p.Asn1653fs (NM_001287489.2); c.2658del, p.Asn886fs (NM_004802.4, NM_194323.3); c.2889del, p.Asn963fs (NM_194322.3); short protein forms N963fs, N1653fs, N886fs.
Identifiers: ClinVar variation 2727210 (VCV002727210.3), dbSNP rs2465517976, ClinGen allele CA2697547852.

ClinVar aggregate classification (germline): Pathogenic (1 of 4 stars; one submission).

Submission:

Labcorp Genetics (formerly Invitae), Labcorp
Classification: Pathogenic. Last evaluated: 2023-06-24. Review status: criteria provided, single submitter. Criteria: Invitae Variant Classification Sherloc (09022015). Collection method: clinical testing. Allele origin: germline.
Comment: For these reasons, this variant has been classified as Pathogenic. This variant has not been reported in the literature in individuals affected with OTOF-related conditions. This variant is not present in population databases (gnomAD no frequency). This sequence change creates a premature translational stop signal (p.Asn1653Lysfs*16) in the OTOF gene. It is expected to result in an absent or disrupted protein product. Loss-of-function variants in OTOF are known to be pathogenic (PMID: 18381613, 19250381, 22575033).

Literature cited by the submitters: PubMed 18381613; PubMed 19250381; PubMed 22575033.